The following is an entry in ClinVar:

NM_001369.3(DNAH5):c.6349G>T (p.Val2117Leu)

Gene: DNAH5 (dynein axonemal heavy chain 5; minus strand). Cytogenetic location: 5p15.2.
Variant type: single nucleotide variant.
Coding change: c.6349G>T on transcript NM_001369.3 (MANE Select); coding-DNA position 6349, G replaced by T.
Protein change: p.Val2117Leu; replaces valine 2117 with leucine.
Molecular consequence: missense variant.
Genome position (GRCh38, 1-based): chr5:13,829,605, C>A on the plus strand (G>T on the coding strand, the complement: DNAH5 is on the minus strand). VCF-style: chr5-13829605-C-A. GRCh37 (hg19) VCF-style: chr5-13829714-C-A.
Other names: short protein forms V2117L.
Identifiers: ClinVar variation 951908 (VCV000951908.11), dbSNP rs1763365674, ClinGen allele CA359200100.

ClinVar aggregate classification (germline): Uncertain significance. Review status: criteria provided, multiple submitters, no conflicts (2 of 4 stars). 2 submissions from 2 submitters: Uncertain significance (2). Last evaluated 2024-03-11.

Conditions:
Primary ciliary dyskinesia. Also called: Ciliary dyskinesia. Identifiers: Orphanet 244, MedGen C0008780, MONDO:0016575, HP:0012265.
Primary ciliary dyskinesia 3. Identifiers: Orphanet 244, MedGen C1837618, MONDO:0012085, OMIM 608644.

Submissions (2):

Fulgent Genetics
Classification: Uncertain significance for Primary ciliary dyskinesia 3. Last evaluated: 2024-03-11. Review status: criteria provided, single submitter. Criteria: ACMG Guidelines, 2015. Collection method: clinical testing. Allele origin: germline.

Labcorp Genetics (formerly Invitae), Labcorp
Classification: Uncertain significance for Primary ciliary dyskinesia. Last evaluated: 2022-11-01. Review status: criteria provided, single submitter. Criteria: Invitae Variant Classification Sherloc (09022015). Collection method: clinical testing. Allele origin: germline.
Comment: In summary, the available evidence is currently insufficient to determine the role of this variant in disease. Therefore, it has been classified as a Variant of Uncertain Significance. Advanced modeling of protein sequence and biophysical properties (such as structural, functional, and spatial information, amino acid conservation, physicochemical variation, residue mobility, and thermodynamic stability) performed at Invitae indicates that this missense variant is not expected to disrupt DNAH5 protein function. ClinVar contains an entry for this variant (Variation ID: 951908). This variant has not been reported in the literature in individuals affected with DNAH5-related conditions. This variant is not present in population databases (gnomAD no frequency). This sequence change replaces valine, which is neutral and non-polar, with leucine, which is neutral and non-polar, at codon 2117 of the DNAH5 protein (p.Val2117Leu).